The following is an entry in ClinVar:

NM_025099.6(CTC1):c.3377C>T (p.Ala1126Val)

Gene: CTC1 (CST telomere replication complex component 1; minus strand). Cytogenetic location: 17p13.1.
Variant type: single nucleotide variant.
Coding change: c.3377C>T on transcript NM_025099.6 (MANE Select); coding-DNA position 3377, C replaced by T.
Protein change: p.Ala1126Val; replaces alanine 1126 with valine.
Molecular consequence: missense variant. On other transcripts: non-coding transcript variant (1), intron variant (1).
Genome position (GRCh38, 1-based): chr17:8,228,737, G>A on the plus strand (C>T on the coding strand, the complement: CTC1 is on the minus strand). VCF-style: chr17-8228737-G-A. GRCh37 (hg19) VCF-style: chr17-8132055-G-A.
Other names: c.3157-108C>T (NM_001411067.1); short protein forms A1126V.
Identifiers: ClinVar variation 2959169 (VCV002959169.3), dbSNP rs1986944769, ClinGen allele CA397969041.
Genomic context (GRCh38, chr17:8,228,737, plus strand): 5'-AAGCCCAGGAATTTGGGTATCCGAGTCCCTCCCTCCCAGCCACATTACACCTCAAGTTGG[G>A]CTCCAGGCCCTGCAAACTGCAAGACCACTCTGCCTGGCACTTGGACGAAATCTAGGAGGG-3'
Protein context (NP_079375.3, residues 1116-1136): RVVLQFAGPG[Ala1126Val]QLESSARVDE

ClinVar aggregate classification (germline): Uncertain significance (1 of 4 stars; one submission).

Conditions:
Dyskeratosis congenita. Identifiers: Orphanet 1775, MedGen C0265965, MONDO:0015780.

gnomAD v4.1: 1 of 1,613,962 alleles (0.000062%); no homozygotes.

Submission:

Labcorp Genetics (formerly Invitae), Labcorp
Classification: Uncertain significance for Dyskeratosis congenita. Last evaluated: 2023-08-28. Review status: criteria provided, single submitter. Criteria: Invitae Variant Classification Sherloc (09022015). Collection method: clinical testing. Allele origin: germline.
Comment: This variant is not present in population databases (gnomAD no frequency). This sequence change replaces alanine, which is neutral and non-polar, with valine, which is neutral and non-polar, at codon 1126 of the CTC1 protein (p.Ala1126Val). In summary, the available evidence is currently insufficient to determine the role of this variant in disease. Therefore, it has been classified as a Variant of Uncertain Significance. An algorithm developed to predict the effect of missense changes on protein structure and function (PolyPhen-2) suggests that this variant is likely to be disruptive. This variant has not been reported in the literature in individuals affected with CTC1-related conditions.